The following is an entry in ClinVar:

ClinVar aggregate classification (germline): Uncertain significance (1 of 4 stars; one submission).

Conditions:
Desmin-related myofibrillar myopathy (MFM1). Also called: Myofibrillar myopathy 1; Desminopathy; Desmin related myopathy (former name); Desmin storage myopathy (former name); MYOFIBRILLAR MYOPATHY WITH ARRHYTHMOGENIC RIGHT VENTRICULAR CARDIOMYOPATHY; DESMIN-RELATED MYOPATHY WITH ARRHYTHMOGENIC RIGHT VENTRICULAR CARDIOMYOPATHY. Identifiers: Orphanet 363543, Orphanet 98909, MedGen C1832370, MONDO:0011076, OMIM 601419.

Allele frequency attached by ClinVar (database versions not stated): gnomAD exomes below 0.00001; ExAC 0.00001.
gnomAD v4.1: 2 of 1,598,868 alleles (0.00013%); highest among the groups gnomAD compares: South Asian, 0.0011%; no homozygotes.

Submission:

Labcorp Genetics (formerly Invitae), Labcorp
Classification: Uncertain significance for Desmin-related myofibrillar myopathy. Last evaluated: 2025-06-20. Review status: criteria provided, single submitter. Criteria: Invitae Variant Classification Sherloc (09022015). Collection method: clinical testing. Allele origin: germline.
Comment: This sequence change replaces threonine, which is neutral and polar, with methionine, which is neutral and non-polar, at codon 59 of the DES protein (p.Thr59Met). The frequency data for this variant in the population databases is considered unreliable, as metrics indicate poor data quality at this position in the gnomAD database. This variant has not been reported in the literature in individuals affected with DES-related conditions. ClinVar contains an entry for this variant (Variation ID: 1039456). Invitae Evidence Modeling of protein sequence and biophysical properties (such as structural, functional, and spatial information, amino acid conservation, physicochemical variation, residue mobility, and thermodynamic stability) has been performed for this missense variant. However, the output from this modeling did not meet the statistical confidence thresholds required to predict the impact of this variant on DES protein function. In summary, the available evidence is currently insufficient to determine the role of this variant in disease. Therefore, it has been classified as a Variant of Uncertain Significance.

NM_001927.4(DES):c.176C>T (p.Thr59Met)

Gene: DES (desmin; plus strand). Cytogenetic location: 2q35.
Variant type: single nucleotide variant.
Coding change: c.176C>T on transcript NM_001927.4 (MANE Select); coding-DNA position 176, C replaced by T.
Protein change: p.Thr59Met; replaces threonine 59 with methionine.
Molecular consequence: missense variant.
Genome position (GRCh38, 1-based): chr2:219,418,638, C>T. VCF-style: chr2-219418638-C-T. GRCh37 (hg19) VCF-style: chr2-220283360-C-T.
Other names: c.176C>T, p.Thr59Met (NM_001382708.1, NM_001382709.1, NM_001382710.1 and 3 more transcripts); short protein forms T59M.
Identifiers: ClinVar variation 1039456 (VCV001039456.10), dbSNP rs773826073, ClinGen allele CA2125035.